The following is an entry in ClinVar:

NM_171830.2(KCNMB3):c.753del (p.Val252fs)

Gene: KCNMB3 (potassium calcium-activated channel subfamily M regulatory beta subunit 3; minus strand). Cytogenetic location: 3q26.32.
Variant type: Deletion.
Coding change: c.753del on transcript NM_171830.2 (MANE Select); coding-DNA position 753, one base deleted (A; older notation c.753delA).
Protein change: p.Val252fs; shifts the reading frame from valine 252.
Molecular consequence: frameshift variant. On other transcripts: non-coding transcript variant (1), intron variant (1).
Genome position (GRCh38, 1-based): chr3:179,242,979, T deleted on the plus strand (A on the coding strand, the reverse complement: KCNMB3 is on the minus strand); the first of 4 consecutive T bases (chr3:179,242,979-179,242,982); deleting any one gives the same sequence. VCF-style (leftmost placement, unchanged base first): chr3-179242978-CT-C. GRCh37 (hg19) VCF-style: chr3-178960766-CT-C.
Other names: c.765del, p.Val256fs (NM_014407.3); c.759del, p.Val254fs (NM_171828.3); c.699del, p.Val234fs (NM_171829.3); c.453+1516del (NM_001163677.2); c.765delA (NM_014407.3); short protein forms V252fs, V234fs, V254fs, V256fs.
Identifiers: ClinVar variation 403000 (VCV000403000.4), dbSNP rs143962239, ClinGen allele CA2711105.
Genomic context (GRCh38, chr3:179,242,978, plus strand): 5'-CTCTTCCTTTGCTCCTCCTCATAATGCACAGTTTGAACTGATGCTGTTCTATATAAGGTA[CT>C]TTTCCACCTACCTCATCTCTGACTACAGTGCTATATTTTTCACACAGTAAGGACAGGTGT-3'

ClinVar aggregate classification (germline): Benign (1 of 4 stars; one submission).

Submission:

Laboratory for Molecular Medicine, Mass General Brigham Personalized Medicine
Classification: Benign. Last evaluated: 2016-03-29. Review status: criteria provided, single submitter. Criteria: LMM Criteria. Collection method: clinical testing. Allele origin: germline.
Comment: Variant identified in a genome or exome case(s) and assessed due to predicted null impact of the variant or pathogenic assertions in the literature or databases. Disclaimer: This variant has not undergone full assessment. The following are preliminary notes: Frequency in ESP (all): 1450/12518=11.5%